The following is an entry in ClinVar:

ClinVar aggregate classification (germline): Uncertain significance (1 of 4 stars; one submission).

Conditions:
Catecholaminergic polymorphic ventricular tachycardia 1. Also called: RYR2-Related Catecholaminergic Polymorphic Ventricular Tachycardia; VENTRICULAR TACHYCARDIA, CATECHOLAMINERGIC POLYMORPHIC, 1, WITH OR WITHOUT ATRIAL DYSFUNCTION AND/OR DILATED CARDIOMYOPATHY; VENTRICULAR TACHYCARDIA, STRESS-INDUCED POLYMORPHIC 1. Identifiers: Orphanet 3286, MedGen C1631597, MONDO:0011484, OMIM 604772.

Submission:

Labcorp Genetics (formerly Invitae), Labcorp
Classification: Uncertain significance for Catecholaminergic polymorphic ventricular tachycardia 1. Last evaluated: 2025-06-01. Review status: criteria provided, single submitter. Criteria: Invitae Variant Classification Sherloc (09022015). Collection method: clinical testing. Allele origin: germline.
Comment: This sequence change replaces glycine, which is neutral and non-polar, with arginine, which is basic and polar, at codon 3930 of the RYR2 protein (p.Gly3930Arg). This variant is not present in population databases (gnomAD no frequency). This variant has not been reported in the literature in individuals affected with RYR2-related conditions. Invitae Evidence Modeling of protein sequence and biophysical properties (such as structural, functional, and spatial information, amino acid conservation, physicochemical variation, residue mobility, and thermodynamic stability) indicates that this missense variant is expected to disrupt RYR2 protein function with a positive predictive value of 95%. In summary, the available evidence is currently insufficient to determine the role of this variant in disease. Therefore, it has been classified as a Variant of Uncertain Significance.

NM_001035.3(RYR2):c.11788G>A (p.Gly3930Arg)

Gene: RYR2 (ryanodine receptor 2; plus strand). Cytogenetic location: 1q43.
Variant type: single nucleotide variant.
Coding change: c.11788G>A on transcript NM_001035.3 (MANE Select); coding-DNA position 11788, G replaced by A.
Protein change: p.Gly3930Arg; replaces glycine 3930 with arginine.
Molecular consequence: missense variant.
Genome position (GRCh38, 1-based): chr1:237,778,678, G>A. VCF-style: chr1-237778678-G-A. GRCh37 (hg19) VCF-style: chr1-237941978-G-A.
Other names: short protein forms G3930R.
Identifiers: ClinVar variation 4700260 (VCV004700260.1).